The following is an entry in ClinVar:

NM_001387430.1(SH2B1):c.657C>T (p.Ser219=)

Gene: SH2B1 (SH2B adaptor protein 1; plus strand). Cytogenetic location: 16p11.2.
Variant type: single nucleotide variant.
Coding change: c.657C>T on transcript NM_001387430.1 (MANE Select); coding-DNA position 657, C replaced by T.
Protein change: p.Ser219=; no amino-acid change (serine 219 retained).
Molecular consequence: synonymous variant. On other transcripts: intron variant (1).
Genome position (GRCh38, 1-based): chr16:28,866,751, C>T. VCF-style: chr16-28866751-C-T. GRCh37 (hg19) VCF-style: chr16-28878072-C-T.
Other names: c.657C>T, p.Ser219= (NM_001145795.2, NM_001145796.2, NM_001145797.2 and 4 more transcripts); c.-26-623C>T (NM_001308294.2).
Identifiers: ClinVar variation 3054499 (VCV003054499.2), dbSNP rs762803968, ClinGen allele CA7985977.

ClinVar aggregate classification (germline): Likely benign (0 of 4 stars; one submission).

Conditions:
SH2B1-related disorder. Also called: SH2B1-related condition.

Allele frequency attached by ClinVar (database versions not stated): ExAC 0.00002; gnomAD exomes 0.00001.
gnomAD v4.1: 9 of 1,577,962 alleles (0.00057%); highest among the groups gnomAD compares: Middle Eastern, 0.017%; no homozygotes.

Submission:

PreventionGenetics, part of Exact Sciences
Classification: Likely benign for SH2B1-related condition. Last evaluated: 2022-04-11. Review status: no assertion criteria provided. Collection method: clinical testing. Allele origin: germline.
Comment: This variant is classified as likely benign based on ACMG/AMP sequence variant interpretation guidelines (Richards et al. 2015 PMID: 25741868, with internal and published modifications).